The following is an entry in ClinVar:

ClinVar aggregate classification (germline): Uncertain significance (1 of 4 stars; one submission).

Conditions:
Epidermolysis bullosa simplex 5B, with muscular dystrophy (EBS5B). Also called: EPIDERMOLYSIS BULLOSA SIMPLEX AND LIMB-GIRDLE MUSCULAR DYSTROPHY; Epidermolysis bullosa simplex with muscular dystrophy. Identifiers: Orphanet 257, MedGen C2931072, MONDO:0009181, OMIM 226670.
Epidermolysis bullosa simplex, Ogna type (EBS5A). Also called: Pidermolysis bullosa simplex 5A, Ogna type; EPIDERMOLYSIS BULLOSA SIMPLEX 5A, OGNA TYPE. Identifiers: Orphanet 79401, MedGen C0432317, MONDO:0007555, OMIM 131950.
Epidermolysis bullosa simplex 5C, with pyloric atresia (EBS5C). Also called: Epidermolysis bullosa simplex with pyloric atresia; PLEC-Related Epidermolysis Bullosa with Pyloric Atresia; PLEC1-Related Epidermolysis Bullosa with Pyloric Atresia. Identifiers: Orphanet 158684, MedGen C2677349, MONDO:0012807, OMIM 612138.
Autosomal recessive limb-girdle muscular dystrophy type 2Q (LGMDR17). Also called: MUSCULAR DYSTROPHY, LIMB-GIRDLE, AUTOSOMAL RECESSIVE 17. Identifiers: Orphanet 254361, MedGen C3150989, MONDO:0013390, OMIM 613723.
Epidermolysis bullosa simplex with nail dystrophy (EBS5D). Identifiers: MedGen C4225309, MONDO:0014661, OMIM 616487.

Submission:

Labcorp Genetics (formerly Invitae), Labcorp
Classification: Uncertain significance for Autosomal recessive limb-girdle muscular dystrophy type 2Q; Epidermolysis bullosa simplex, Ogna type; Epidermolysis bullosa simplex with nail dystrophy; Epidermolysis bullosa simplex 5C, with pyloric atresia; Epidermolysis bullosa simplex 5B, with muscular dystrophy. Last evaluated: 2025-03-18. Review status: criteria provided, single submitter. Criteria: Invitae Variant Classification Sherloc (09022015). Collection method: clinical testing. Allele origin: germline.
Comment: This variant, c.7688_7690dup, results in the insertion of 1 amino acid(s) of the PLEC protein (p.Arg2563dup), but otherwise preserves the integrity of the reading frame. This variant is not present in population databases (gnomAD no frequency). This variant has not been reported in the literature in individuals affected with PLEC-related conditions. In summary, the available evidence is currently insufficient to determine the role of this variant in disease. Therefore, it has been classified as a Variant of Uncertain Significance.

NM_201384.3(PLEC):c.7607_7609dup (p.Arg2536_Gln2537insArg)

Gene: PLEC (plectin; minus strand). Cytogenetic location: 8q24.3.
Variant type: Duplication.
Coding change: c.7607_7609dup on transcript NM_201384.3 (MANE Select); coding-DNA positions 7607 to 7609, 3 bases duplicated (GGC; older notation c.7607_7609dupGGC).
Protein change: p.Arg2536_Gln2537insArg.
Genome position (GRCh38, 1-based): chr8:143,922,212-143,922,214, GCC duplicated on the plus strand (GGC on the coding strand, the reverse complement: PLEC is on the minus strand); duplicating any 3 consecutive bases within chr8:143,922,212-143,922,216 gives the same sequence; the c. name uses the placement nearest the transcript's 3' end. VCF-style (leftmost placement, unchanged base first): chr8-143922211-T-TGCC. GRCh37 (hg19) VCF-style: chr8-144996379-T-TGCC.
Other names: c.7688_7690dup, p.Arg2563_Gln2564insArg (NM_000445.5); c.4307_4309dup, p.Arg1436_Gln1437insArg (NM_001410941.1); c.7565_7567dup, p.Arg2522_Gln2523insArg (NM_201378.4); c.7541_7543dup, p.Arg2514_Gln2515insArg (NM_201379.3); c.8018_8020dup, p.Arg2673_Gln2674insArg (NM_201380.4); c.7511_7513dup, p.Arg2504_Gln2505insArg (NM_201381.3); c.7607_7609dup, p.Arg2536_Gln2537insArg (NM_201382.4); c.7619_7621dup, p.Arg2540_Gln2541insArg (NM_201383.3).
Identifiers: ClinVar variation 4793624 (VCV004793624.1).